The following is an entry in ClinVar:

NM_001371986.1(UNC80):c.8698del (p.Trp2900fs)

Gene: UNC80 (unc-80 subunit of NALCN channel complex; plus strand). Cytogenetic location: 2q34.
Variant type: Deletion.
Coding change: c.8698del on transcript NM_001371986.1 (MANE Select); coding-DNA position 8698, one base deleted (T; older notation c.8698delT).
Protein change: p.Trp2900fs; shifts the reading frame from tryptophan 2900.
Molecular consequence: frameshift variant.
Genome position (GRCh38, 1-based): chr2:209,976,229, T deleted; the last of 3 consecutive T bases (chr2:209,976,227-209,976,229); deleting any one gives the same sequence. VCF-style (leftmost placement, unchanged base first): chr2-209976226-CT-C. GRCh37 (hg19) VCF-style: chr2-210840950-CT-C.
Other names: c.8500del, p.Trp2834fs (NM_032504.2); c.8485del, p.Trp2829fs (NM_182587.4); c.8500del (NM_032504.1); short protein forms W2834fs, W2829fs, W2900fs.
Identifiers: ClinVar variation 287464 (VCV000287464.9), dbSNP rs886043644, ClinGen allele CA10605776.

ClinVar aggregate classification (germline): Pathogenic/Likely pathogenic. Review status: criteria provided, multiple submitters, no conflicts (2 of 4 stars). 3 submissions from 3 submitters: Pathogenic (1); Likely pathogenic (2). Last evaluated 2025-04-03.

Submissions (3):

GeneDx
Classification: Likely pathogenic. Last evaluated: 2025-04-03. Review status: criteria provided, single submitter. Criteria: GeneDx Variant Classification Process June 2021. Collection method: clinical testing. Allele origin: germline. Affected: yes.
Comment: Frameshift variant predicted to result in protein truncation or nonsense mediated decay in a gene for which loss of function is a known mechanism of disease; Not observed at significant frequency in large population cohorts (gnomAD); Has not been previously published as pathogenic or benign to our knowledge

Labcorp Genetics (formerly Invitae), Labcorp
Classification: Pathogenic. Last evaluated: 2024-03-11. Review status: criteria provided, single submitter. Criteria: Invitae Variant Classification Sherloc (09022015). Collection method: clinical testing. Allele origin: germline.
Comment: This sequence change creates a premature translational stop signal (p.Trp2834Glyfs*69) in the UNC80 gene. It is expected to result in an absent or disrupted protein product. Loss-of-function variants in UNC80 are known to be pathogenic (PMID: 26545877, 26708751, 26708753). This variant is not present in population databases (gnomAD no frequency). This variant has not been reported in the literature in individuals affected with UNC80-related conditions. ClinVar contains an entry for this variant (Variation ID: 287464). Algorithms developed to predict the effect of sequence changes on RNA splicing suggest that this variant may disrupt the consensus splice site. For these reasons, this variant has been classified as Pathogenic.

Eurofins Ntd Llc (ga)
Classification: Likely pathogenic. Last evaluated: 2016-04-08. Review status: criteria provided, single submitter. Criteria: EGL Classification Definitions 2015. Collection method: clinical testing. Allele origin: germline. Observed: 1 variant allele, 1 heterozygote.

Literature cited by the submitters: PubMed 26545877 (cited by Labcorp Genetics (formerly Invitae), Labcorp); PubMed 26708751 (cited by Labcorp Genetics (formerly Invitae), Labcorp); PubMed 26708753 (cited by Labcorp Genetics (formerly Invitae), Labcorp).